The following is an entry in ClinVar:

ClinVar aggregate classification (germline): Uncertain significance (1 of 4 stars; one submission).

Allele frequency attached by ClinVar (database versions not stated): TOPMed 0.00001; gnomAD exomes 0.00004; ExAC 0.00005.
gnomAD v4.1: 59 of 1,614,232 alleles (0.0037%); highest among the groups gnomAD compares: Non-Finnish European, 0.0047%; no homozygotes.

Submission:

Labcorp Genetics (formerly Invitae), Labcorp
Classification: Uncertain significance. Last evaluated: 2022-02-08. Review status: criteria provided, single submitter. Criteria: Invitae Variant Classification Sherloc (09022015). Collection method: clinical testing. Allele origin: germline.
Comment: This sequence change replaces arginine, which is basic and polar, with cysteine, which is neutral and slightly polar, at codon 249 of the C2 protein (p.Arg249Cys). This variant is present in population databases (rs771081314, gnomAD 0.007%). This variant has not been reported in the literature in individuals affected with C2-related conditions. Algorithms developed to predict the effect of missense changes on protein structure and function (SIFT, PolyPhen-2, Align-GVGD) all suggest that this variant is likely to be disruptive. In summary, the available evidence is currently insufficient to determine the role of this variant in disease. Therefore, it has been classified as a Variant of Uncertain Significance.

NM_000063.6(C2):c.745C>T (p.Arg249Cys)

Gene: C2 (complement C2; plus strand). Cytogenetic location: 6p21.33.
Variant type: single nucleotide variant.
Coding change: c.745C>T on transcript NM_000063.6 (MANE Select); coding-DNA position 745, C replaced by T.
Protein change: p.Arg249Cys; replaces arginine 249 with cysteine.
Molecular consequence: missense variant. On other transcripts: intron variant (2).
Genome position (GRCh38, 1-based): chr6:31,934,195, C>T. VCF-style: chr6-31934195-C-T. GRCh37 (hg19) VCF-style: chr6-31901972-C-T.
Other names: c.111+412C>T (NM_001282457.2); c.346+230C>T (NM_001178063.3); c.349C>T, p.Arg117Cys (NM_001145903.3); c.658C>T, p.Arg220Cys (NM_001282458.2); c.745C>T, p.Arg249Cys (NM_001282459.2); short protein forms R117C, R220C, R249C.
Identifiers: ClinVar variation 1989459 (VCV001989459.1), dbSNP rs771081314, ClinGen allele CA3727505.
Genomic context (GRCh38, chr6:31,934,195, plus strand): 5'-ATCTGAATCCTCCCCTTCCACATTTCTCCAGAAAGCCTGGGCCGTAAAATCCAAATCCAG[C>T]GCTCTGGTCATCTGAACCTCTACCTGCTCCTGGACTGTTCGCAGAGTGTGTCGGAAAATG-3'
Protein context (NP_000054.2, residues 239-259): ESLGRKIQIQ[Arg249Cys]SGHLNLYLLL